The following is an entry in ClinVar:

ClinVar aggregate classification (germline): Likely pathogenic. Review status: criteria provided, multiple submitters, no conflicts (2 of 4 stars). 2 submissions from 2 submitters: Likely pathogenic (2). Last evaluated 2025-07-09.

Conditions:
Bronchiectasis with or without elevated sweat chloride 1 (BESC1). Also called: Cystic Fibrosis-Like Syndrome. Identifiers: Orphanet 60033, MedGen C2749757, MONDO:0008887, OMIM 211400.
Cystic fibrosis (CF). Also called: MUCOVISCIDOSIS. Identifiers: Orphanet 586, MedGen C0010674, MONDO:0009061, OMIM 219700. Disease mechanism: loss of function.
Hereditary pancreatitis (PCTT). Also called: Hereditary chronic pancreatitis; PRSS1-Related Hereditary Pancreatitis. Identifiers: Orphanet 676, MedGen C0238339, MONDO:0008185, OMIM 167800.
Congenital bilateral aplasia of vas deferens from CFTR mutation (CBAVD). Identifiers: Orphanet 48, MedGen C0403814, MONDO:0010178, OMIM 277180. Disease mechanism: loss of function.
CFTR-related disorder (CFTR-RD). Also called: CFTR-related disorders; CFTR-related condition. Identifiers: MedGen C5924204, MONDO:7770004.

Submissions (2):

Natera, Inc.
Classification: Likely pathogenic for CFTR-related disorders. Last evaluated: 2025-07-09. Review status: criteria provided, single submitter. Criteria: Natera Variant Classification Schema (03/2026). Collection method: clinical testing. Allele origin: germline.
Comment: The c.648G>A variant in CFTR is a nonsense variant predicted to introduce a stop codon at amino acid 216. This variant is expected to result in nonsense mediated decay, truncation, or a dysfunctional protein product. This variant is rare in the general population with a frequency below the threshold expected for the associated phenotype(s). Given the available evidence, this variant is classified as Likely Pathogenic.

Fulgent Genetics
Classification: Likely pathogenic for Hereditary pancreatitis; Bronchiectasis with or without elevated sweat chloride 1; Cystic fibrosis; Congenital bilateral aplasia of vas deferens from CFTR mutation. Last evaluated: 2024-06-06. Review status: criteria provided, single submitter. Criteria: ACMG Guidelines, 2015. Collection method: clinical testing. Allele origin: germline.

NM_000492.4(CFTR):c.648G>A (p.Trp216Ter)

Gene: CFTR (CF transmembrane conductance regulator; plus strand). Cytogenetic location: 7q31.2.
Variant type: single nucleotide variant.
Coding change: c.648G>A on transcript NM_000492.4 (MANE Select); coding-DNA position 648, G replaced by A.
Protein change: p.Trp216Ter; replaces tryptophan 216 with a stop codon.
Molecular consequence: nonsense.
Genome position (GRCh38, 1-based): chr7:117,535,316, G>A. VCF-style: chr7-117535316-G-A. GRCh37 (hg19) VCF-style: chr7-117175370-G-A.
Other names: short protein forms W216*.
Identifiers: ClinVar variation 3594271 (VCV003594271.2).
Genomic context (GRCh38, chr7:117,535,316, plus strand): 5'-ATTGGCACATTTCGTGTGGATCGCTCCTTTGCAAGTGGCACTCCTCATGGGGCTAATCTG[G>A]GAGTTGTTACAGGCGTCTGCCTTCTGTGGACTTGGTTTCCTGATAGTCCTTGCCCTTTTT-3'